The following is an entry in ClinVar:

NM_001367624.2(ZNF469):c.1295C>G (p.Pro432Arg)

Gene: ZNF469 (zinc finger protein 469; plus strand). Cytogenetic location: 16q24.2.
Variant type: single nucleotide variant.
Coding change: c.1295C>G on transcript NM_001367624.2 (MANE Select); coding-DNA position 1295, C replaced by G.
Protein change: p.Pro432Arg; replaces proline 432 with arginine.
Molecular consequence: missense variant.
Genome position (GRCh38, 1-based): chr16:88,428,765, C>G. VCF-style: chr16-88428765-C-G. GRCh37 (hg19) VCF-style: chr16-88495173-C-G.
Other names: NM_001127464.1:c.1295C>G; short protein forms P432R.
Identifiers: ClinVar variation 3232758 (VCV003232758.1), dbSNP rs2507574443, ClinGen allele CA397064261.

ClinVar aggregate classification (germline): Uncertain significance (1 of 4 stars; one submission).

Conditions:
Cardiovascular phenotype. Identifiers: MedGen CN230736.

gnomAD v4.1: 1 of 1,545,612 alleles (0.000065%); highest among the groups gnomAD compares: Non-Finnish European, 0.000087%; no homozygotes.

Submission:

Ambry Genetics
Classification: Uncertain significance for Cardiovascular phenotype. Last evaluated: 2023-11-06. Review status: criteria provided, single submitter. Criteria: Ambry Variant Classification Scheme 2023. Collection method: clinical testing. Allele origin: germline.
Comment: The p.P432R variant (also known as c.1295C>G), located in coding exon 1 of the ZNF469 gene, results from a C to G substitution at nucleotide position 1295. The proline at codon 432 is replaced by arginine, an amino acid with dissimilar properties. This amino acid position is conserved. In addition, this alteration is predicted to be tolerated by in silico analysis. Since supporting evidence is limited at this time, the clinical significance of this alteration remains unclear.